The following is an entry in ClinVar:

NM_024589.3(ROGDI):c.507del (p.Glu170fs)

Gene: ROGDI (rogdi atypical leucine zipper; minus strand). Cytogenetic location: 16p13.3.
Variant type: Deletion.
Coding change: c.507del on transcript NM_024589.3 (MANE Select); coding-DNA position 507, one base deleted (C; older notation c.507delC).
Protein change: p.Glu170fs; shifts the reading frame from glutamic acid 170.
Molecular consequence: frameshift variant. On other transcripts: non-coding transcript variant (1).
Genome position (GRCh38, 1-based): chr16:4,798,593, G deleted on the plus strand (C on the coding strand, the reverse complement: ROGDI is on the minus strand); the first of 4 consecutive G bases (chr16:4,798,593-4,798,596); deleting any one gives the same sequence. VCF-style (leftmost placement, unchanged base first): chr16-4798592-CG-C. GRCh37 (hg19) VCF-style: chr16-4848593-CG-C.
Other names: short protein forms E170fs.
Identifiers: ClinVar variation 41465 (VCV000041465.48), dbSNP rs786205124, ClinGen allele CA130852.

ClinVar aggregate classification (germline): Pathogenic. Review status: criteria provided, multiple submitters, no conflicts (2 of 4 stars). 5 submissions from 5 submitters: Pathogenic (4). 1 of the submissions does not count toward it. Last evaluated 2025-06-01.

Conditions:
Amelocerebrohypohidrotic syndrome (KTZS). Also called: Kohlschutter's syndrome; EPILEPSY AND YELLOW TEETH; EPILEPSY, DEMENTIA, AND AMELOGENESIS IMPERFECTA; KOHLSCHUTTER SYNDROME. Identifiers: Orphanet 1946, MedGen C0406740, MONDO:0009185, OMIM 226750.

Submissions (5):

Labcorp Genetics (formerly Invitae), Labcorp
Classification: Pathogenic for Amelocerebrohypohidrotic syndrome. Last evaluated: 2025-06-01. Review status: criteria provided, single submitter. Criteria: Invitae Variant Classification Sherloc (09022015). Collection method: clinical testing. Allele origin: germline.
Comment: This sequence change creates a premature translational stop signal (p.Glu170Argfs*72) in the ROGDI gene. It is expected to result in an absent or disrupted protein product. Loss-of-function variants in ROGDI are known to be pathogenic (PMID: 22424600, 23086778). This variant is not present in population databases (gnomAD no frequency). This premature translational stop signal has been observed in individual(s) with Kohlschutter syndrome (PMID: 23086778). ClinVar contains an entry for this variant (Variation ID: 41465). For these reasons, this variant has been classified as Pathogenic.

CeGaT Center for Human Genetics Tuebingen
Classification: Pathogenic. Last evaluated: 2025-03-01. Review status: criteria provided, single submitter. Criteria: CeGaT Center For Human Genetics Tuebingen Variant Classification Criteria Version 2. Collection method: clinical testing. Allele origin: germline. Affected: yes. Observed: 4 variant alleles.
Comment: ROGDI: PVS1, PM3:Strong, PM2

Institute of Human Genetics, University of Leipzig Medical Center
Classification: Pathogenic for Amelocerebrohypohidrotic syndrome. Last evaluated: 2023-12-13. Review status: criteria provided, single submitter. Criteria: ACMG Guidelines, 2015. Collection method: clinical testing. Allele origin: unknown. Inheritance: Autosomal recessive inheritance. Affected: yes.
Comment: Criteria applied: PVS1,PM3,PM2_SUP

GeneDx
Classification: Pathogenic. Last evaluated: 2023-11-13. Review status: criteria provided, single submitter. Criteria: GeneDx Variant Classification Process June 2021. Collection method: clinical testing. Allele origin: germline. Affected: yes.
Comment: Frameshift variant predicted to result in protein truncation or nonsense mediated decay in a gene for which loss of function is a known mechanism of disease; Not observed at significant frequency in large population cohorts (gnomAD); This variant is associated with the following publications: (PMID: 28638151, 34939736, 3236364, 23086778)

OMIM
Classification: Pathogenic for KOHLSCHUTTER-TONZ SYNDROME. Last evaluated: 2013-02-01. Review status: no assertion criteria provided. Collection method: literature only. Allele origin: germline. Not counted in ClinVar's aggregate classification.

Literature cited by the submitters: PubMed 22424600 (cited by Labcorp Genetics (formerly Invitae), Labcorp); PubMed 23086778 (cited by Labcorp Genetics (formerly Invitae), Labcorp and OMIM); PubMed 3236364 (cited by OMIM).